The following is an entry in ClinVar:

ClinVar aggregate classification (germline): Benign/Likely benign. Review status: criteria provided, multiple submitters, no conflicts (2 of 4 stars). 4 submissions from 4 submitters: Benign (3); Likely benign (1). Last evaluated 2026-01-15.

Allele frequency attached by ClinVar (database versions not stated): 1000 Genomes Project 30x 0.00219; 1000 Genomes Project 0.00240; ESP Exome Variant Server 0.00354; ExAC 0.00362; gnomAD 0.00372 and 0.00377; gnomAD exomes 0.00412; TOPMed 0.00432.
gnomAD v4.1: 7,995 of 1,614,166 alleles (0.5%); highest among the groups gnomAD compares: Admixed American, 0.7%; 26 homozygotes.

Submissions (4):

Labcorp Genetics (formerly Invitae), Labcorp
Classification: Benign. Last evaluated: 2026-01-15. Review status: criteria provided, single submitter. Criteria: Invitae Variant Classification Sherloc (09022015). Collection method: clinical testing. Allele origin: germline.

Mayo Clinic Laboratories, Mayo Clinic
Classification: Benign. Last evaluated: 2025-06-24. Review status: criteria provided, single submitter. Criteria: ACMG Guidelines, 2015. Collection method: clinical testing. Allele origin: germline. Observed: 1 variant allele.
Comment: BA1, BP4, BP7

CeGaT Center for Human Genetics Tuebingen
Classification: Likely benign. Last evaluated: 2023-12-01. Review status: criteria provided, single submitter. Criteria: CeGaT Center For Human Genetics Tuebingen Variant Classification Criteria Version 2. Collection method: clinical testing. Allele origin: germline. Affected: yes. Observed: 2 variant alleles.
Comment: GUCY1A1: BP4, BP7, BS2

Breakthrough Genomics
Classification: Benign. Review status: criteria provided, single submitter. Criteria: ACMG Guidelines, 2015. Collection method: not provided. Allele origin: germline. Inheritance: Autosomal recessive inheritance. Affected: yes.

NM_001130682.3(GUCY1A1):c.1437T>C (p.Asn479=)

Gene: GUCY1A1 (guanylate cyclase 1 soluble subunit alpha 1; plus strand). Cytogenetic location: 4q32.1.
Variant type: single nucleotide variant.
Coding change: c.1437T>C on transcript NM_001130682.3 (MANE Select); coding-DNA position 1437, T replaced by C.
Protein change: p.Asn479=; no amino-acid change (asparagine 479 retained).
Molecular consequence: synonymous variant.
Genome position (GRCh38, 1-based): chr4:155,713,448, T>C. VCF-style: chr4-155713448-T-C. GRCh37 (hg19) VCF-style: chr4-156634600-T-C.
Other names: p.Asn479=; c.1437T>C, p.Asn479= (NM_000856.6, NM_001130683.4, NM_001130684.3 and 12 more transcripts); c.732T>C, p.Asn244= (NM_001130685.3); c.930T>C, p.Asn310= (NM_001379676.1).
Identifiers: ClinVar variation 790313 (VCV000790313.35), dbSNP rs143472664, ClinGen allele CA3117374.